The following is an entry in ClinVar:

NM_000334.4(SCN4A):c.3442-18G>T

Genes: GH-LCR (growth hormone locus control region; plus strand), SCN4A (sodium voltage-gated channel alpha subunit 4; minus strand). Cytogenetic location: 17q23.3.
Variant type: single nucleotide variant.
Coding change: c.3442-18G>T on transcript NM_000334.4 (MANE Select); 18 bases into the intron before coding-DNA position 3442, G replaced by T.
Molecular consequence: intron variant.
Genome position (GRCh38, 1-based): chr17:63,945,656, C>A on the plus strand (G>T on the coding strand, the complement: SCN4A is on the minus strand). VCF-style: chr17-63945656-C-A. GRCh37 (hg19) VCF-style: chr17-62023016-C-A.
Identifiers: ClinVar variation 385755 (VCV000385755.9), dbSNP rs377676692, ClinGen allele CA8709261.

ClinVar aggregate classification (germline): Likely benign. Review status: criteria provided, multiple submitters, no conflicts (2 of 4 stars). 2 submissions from 2 submitters: Likely benign (2). Last evaluated 2025-06-23.

Conditions:
Hyperkalemic periodic paralysis. Also called: Familial hyperkalemic periodic paralysis; Gamstorp disease. Identifiers: Orphanet 682, MedGen C0238357, MONDO:0008224, OMIM 170500, HP:0007215.

Allele frequency attached by ClinVar (database versions not stated): gnomAD exomes 0.00001 and 0.00011; ExAC 0.00002; TOPMed 0.00003; gnomAD 0.00004; ESP Exome Variant Server 0.00008.
gnomAD v4.1: 154 of 1,613,102 alleles (0.0095%); highest among the groups gnomAD compares: Non-Finnish European, 0.013%; no homozygotes.

Submissions (2):

Labcorp Genetics (formerly Invitae), Labcorp
Classification: Likely benign for Hyperkalemic periodic paralysis. Last evaluated: 2025-06-23. Review status: criteria provided, single submitter. Criteria: Invitae Variant Classification Sherloc (09022015). Collection method: clinical testing. Allele origin: germline.

GeneDx
Classification: Likely benign. Last evaluated: 2016-05-16. Review status: criteria provided, single submitter. Criteria: GeneDx Variant Classification (06012015). Collection method: clinical testing. Allele origin: germline. Affected: yes.
Comment: This variant is considered likely benign or benign based on one or more of the following criteria: it is a conservative change, it occurs at a poorly conserved position in the protein, it is predicted to be benign by multiple in silico algorithms, and/or has population frequency not consistent with disease.